The following is an entry in ClinVar:

ClinVar aggregate classification (germline): Uncertain significance. Review status: criteria provided, multiple submitters, no conflicts (2 of 4 stars). 2 submissions from 2 submitters: Uncertain significance (2). Last evaluated 2025-12-08.

Conditions:
Marfan syndrome (MFS). Also called: MARFAN SYNDROME, TYPE I; FBN1-Related Marfan Syndrome; Marfan syndrome type 1; Marfan's syndrome; Marfan syndrome, classic. Identifiers: Orphanet 284963, Orphanet 558, MedGen C0024796, MONDO:0007947, OMIM 154700.
Familial thoracic aortic aneurysm and aortic dissection (TAAD). Also called: Thoracic aortic aneurysms and dissections. Identifiers: Orphanet 91387, MedGen C4707243, MONDO:0019625.

Allele frequency attached by ClinVar (database versions not stated): TOPMed below 0.00001; gnomAD 0.00001.
gnomAD v4.1: 1 of 1,613,404 alleles (0.000062%); highest among the groups gnomAD compares: African/African-American, 0.0013%; no homozygotes.

Submissions (2):

Greenwood Genetic Center Diagnostic Laboratories, Greenwood Genetic Center
Classification: Uncertain significance. Last evaluated: 2025-12-08. Review status: criteria provided, single submitter. Criteria: ACMG Guidelines, 2015. Collection method: clinical testing. Allele origin: germline. Affected: yes.
Comment: PM2, PP3

Labcorp Genetics (formerly Invitae), Labcorp
Classification: Uncertain significance for Marfan syndrome; Familial thoracic aortic aneurysm and aortic dissection. Last evaluated: 2022-04-28. Review status: criteria provided, single submitter. Criteria: Invitae Variant Classification Sherloc (09022015). Collection method: clinical testing. Allele origin: germline.
Comment: This sequence change falls in intron 55 of the FBN1 gene. It does not directly change the encoded amino acid sequence of the FBN1 protein. It affects a nucleotide within the consensus splice site. In summary, the available evidence is currently insufficient to determine the role of this variant in disease. Therefore, it has been classified as a Variant of Uncertain Significance. Variants that disrupt the consensus splice site are a relatively common cause of aberrant splicing (PMID: 17576681, 9536098). Algorithms developed to predict the effect of sequence changes on RNA splicing suggest that this variant is not likely to affect RNA splicing. This variant has not been reported in the literature in individuals affected with FBN1-related conditions. This variant is present in population databases (no rsID available, gnomAD 0.01%).

Literature cited by the submitters: PubMed 17576681 (cited by Labcorp Genetics (formerly Invitae), Labcorp); PubMed 9536098 (cited by Labcorp Genetics (formerly Invitae), Labcorp).

NM_000138.5(FBN1):c.6739+4A>G

Gene: FBN1 (fibrillin 1; minus strand). Cytogenetic location: 15q21.1.
Variant type: single nucleotide variant.
Coding change: c.6739+4A>G on transcript NM_000138.5 (MANE Select); 4 bases into the intron after coding-DNA position 6739, A replaced by G.
Molecular consequence: intron variant.
Genome position (GRCh38, 1-based): chr15:48,432,862, T>C on the plus strand (A>G on the coding strand, the complement: FBN1 is on the minus strand). VCF-style: chr15-48432862-T-C. GRCh37 (hg19) VCF-style: chr15-48725059-T-C.
Identifiers: ClinVar variation 2417067 (VCV002417067.7), dbSNP rs1355777954, ClinGen allele CA617834612.